The following is an entry in ClinVar:

ClinVar aggregate classification (germline): Conflicting classifications of pathogenicity. Review status: criteria provided, conflicting classifications (1 of 4 stars). 8 submissions from 8 submitters: Pathogenic (1); Likely pathogenic (2); Uncertain significance (2). 3 of the submissions do not count toward it. Last evaluated 2024-12-17.

Conditions:
Charcot-Marie-Tooth disease type 4. Also called: Charcot-Marie-Tooth disease, type IV; Charcot-Marie-Tooth, Type 4. Identifiers: Orphanet 64749, MedGen C4082197, MONDO:0018995.
Charcot-Marie-Tooth disease type 4C (CMT4C). Also called: CHARCOT-MARIE-TOOTH DISEASE, DEMYELINATING, TYPE 4C; Charcot-Marie-Tooth Neuropathy Type 4C (CMT4C); CHARCOT-MARIE-TOOTH DISEASE, DEMYELINATING, AUTOSOMAL RECESSIVE, TYPE 4C; CMT 4C; SH3TC2-Related Hereditary Motor and Sensory Neuropathy. Identifiers: Orphanet 99949, MedGen C1866636, MONDO:0011113, OMIM 601596.

Allele frequency attached by ClinVar (database versions not stated): ExAC 0.00001; TOPMed 0.00001; gnomAD 0.00002; gnomAD exomes 0.00003 and 0.00004.
gnomAD v4.1: 67 of 1,614,004 alleles (0.0042%); highest among the groups gnomAD compares: Middle Eastern, 0.016%; no homozygotes.

Submissions (8):

3billion
Classification: Likely pathogenic for Charcot-Marie-Tooth disease type 4C. Last evaluated: 2024-12-17. Review status: criteria provided, single submitter. Criteria: ACMG Guidelines, 2015. Collection method: clinical testing. Allele origin: germline. Affected: yes.
Comment: The variant is observed at an extremely low frequency in the gnomAD v4.1.0 dataset (total allele frequency: 0.004%). Predicted Consequence/Location: Missense variant. The majority of the known disease-causing variants of this gene are variants expected to result in premature termination of the protein. In silico tool predictions suggest damaging effect of the variant on gene or gene product [REVEL: 0.87 (>=0.6, sensitivity 0.68 and specificity 0.92); 3Cnet: 0.99 (>=0.6, sensitivity 0.72 and precision 0.9)]. The same nucleotide change resulting in the same amino acid change has been previously reported as pathogenic/likely pathogenic and of uncertain significance (ClinVar ID: VCV000002478 /PMID: 31692161). Different missense changes at the same codon (p.Arg529Cys, p.Arg529Gln, p.Arg529Trp) have been reported as pathogenic/likely pathogenic with strong evidence (ClinVar ID: VCV000216005, VCV000216738, VCV000418488). Therefore, this variant is classified as Likely pathogenic according to the recommendation of ACMG/AMP guideline.

CeGaT Center for Human Genetics Tuebingen
Classification: Uncertain significance. Last evaluated: 2024-01-01. Review status: criteria provided, single submitter. Criteria: CeGaT Center For Human Genetics Tuebingen Variant Classification Criteria Version 2. Collection method: clinical testing. Allele origin: germline. Affected: yes. Observed: 2 variant alleles.
Comment: SH3TC2: PM2, PM5, PM3:Supporting

Revvity Omics, Revvity
Classification: Uncertain significance. Last evaluated: 2021-05-17. Review status: criteria provided, single submitter. Criteria: ACMG Guidelines, 2015. Collection method: clinical testing. Allele origin: germline.

CMT Laboratory, Bogazici University
Classification: Likely pathogenic for Charcot-Marie-Tooth disease type 4C. Last evaluated: 2020-12-01. Review status: criteria provided, single submitter. Criteria: ACMG Guidelines, 2015. Collection method: clinical testing. Allele origin: germline. Affected: yes. Observed: 2 variant alleles.

Athena Diagnostics
Classification: Pathogenic for Charcot-Marie-Tooth disease, type 4C. Last evaluated: 2013-10-31. Review status: criteria provided, single submitter. Criteria: Athena Diagnostics Criteria. Collection method: clinical testing. Allele origin: germline. Inheritance: Autosomal recessive inheritance.

Genesis Genome Database
Classification: Uncertain significance for Charcot-Marie-Tooth disease type 4. Last evaluated: 2019-08-14. Review status: no assertion criteria provided. Collection method: research. Allele origin: germline. Affected: yes. Not counted in ClinVar's aggregate classification.

OMIM
Classification: Pathogenic for CHARCOT-MARIE-TOOTH DISEASE, DEMYELINATING, TYPE 4C. Last evaluated: 2003-11-01. Review status: no assertion criteria provided. Collection method: literature only. Allele origin: germline. Not counted in ClinVar's aggregate classification.

GeneReviews
No classification provided. Condition: Charcot-Marie-Tooth disease type 4C. Review status: no classification provided. Collection method: literature only. Allele origin: unknown. Not counted in ClinVar's aggregate classification.

Literature cited by the submitters: PubMed 31673878 (cited by CMT Laboratory, Bogazici University); PubMed 14574644 (cited by 3 submitters); PubMed 22462672 (cited by Athena Diagnostics); PubMed 23281072 (cited by Athena Diagnostics); PubMed 20301514 (cited by GeneReviews); NCBI Bookshelf NBK1340 (cited by GeneReviews).

NM_024577.4(SH3TC2):c.1586G>A (p.Arg529His)

Gene: SH3TC2 (SH3 domain and tetratricopeptide repeats 2; minus strand). Cytogenetic location: 5q32.
Variant type: single nucleotide variant.
Coding change: c.1586G>A on transcript NM_024577.4 (MANE Select); coding-DNA position 1586, G replaced by A.
Protein change: p.Arg529His; replaces arginine 529 with histidine.
Molecular consequence: missense variant.
Genome position (GRCh38, 1-based): chr5:149,028,146, C>T on the plus strand (G>A on the coding strand, the complement: SH3TC2 is on the minus strand). VCF-style: chr5-149028146-C-T. GRCh37 (hg19) VCF-style: chr5-148407709-C-T.
Other names: R529Q; short protein forms R529H.
Identifiers: ClinVar variation 2478 (VCV000002478.52), dbSNP rs80338923, ClinGen allele CA339983.